The following is an entry in ClinVar:

NM_014140.4(SMARCAL1):c.622del (p.His208fs)

Gene: SMARCAL1 (SNF2 related chromatin remodeling annealing helicase 1; plus strand). Cytogenetic location: 2q35.
Variant type: Deletion.
Coding change: c.622del on transcript NM_014140.4 (MANE Select); coding-DNA position 622, one base deleted (C; older notation c.622delC).
Protein change: p.His208fs; shifts the reading frame from histidine 208.
Molecular consequence: frameshift variant.
Genome position (GRCh38, 1-based): chr2:216,415,326, C deleted; the last of 2 consecutive C bases (chr2:216,415,325-216,415,326); deleting either gives the same sequence. VCF-style (leftmost placement, unchanged base first): chr2-216415324-TC-T. GRCh37 (hg19) VCF-style: chr2-217280047-TC-T.
Other names: c.622del, p.His208fs (NM_001127207.2); c.622delC (NM_014140.3); short protein forms H208fs.
Identifiers: ClinVar variation 1408052 (VCV001408052.9), dbSNP rs751582760, ClinGen allele CA2097625.

ClinVar aggregate classification (germline): Pathogenic/Likely pathogenic. Review status: criteria provided, multiple submitters, no conflicts (2 of 4 stars). 3 submissions from 3 submitters: Pathogenic (1); Likely pathogenic (2). Last evaluated 2025-07-25.

Conditions:
Schimke immuno-osseous dysplasia (SIOD). Also called: Schimke Immunoosseous Dysplasia. Identifiers: Orphanet 1830, MedGen C0877024, MONDO:0009458, OMIM 242900.

Submissions (3):

Natera, Inc.
Classification: Likely pathogenic for Schimke immuno-osseous dysplasia. Last evaluated: 2025-07-25. Review status: criteria provided, single submitter. Criteria: Natera Variant Classification Schema (03/2026). Collection method: clinical testing. Allele origin: germline.
Comment: The c.622delC variant in SMARCAL1 is a frameshift variant predicted to shift the reading frame beginning at codon 208 and leads to a stop codon 7 codons downstream. This variant is expected to result in nonsense mediated decay, truncation, or a dysfunctional protein product. This variant is rare in the general population with a frequency below the threshold expected for the associated phenotype(s). Given the available evidence, this variant is classified as Likely Pathogenic.

Fulgent Genetics
Classification: Likely pathogenic for Schimke immuno-osseous dysplasia. Last evaluated: 2024-06-20. Review status: criteria provided, single submitter. Criteria: ACMG Guidelines, 2015. Collection method: clinical testing. Allele origin: germline.

Labcorp Genetics (formerly Invitae), Labcorp
Classification: Pathogenic for Schimke immuno-osseous dysplasia. Last evaluated: 2024-03-07. Review status: criteria provided, single submitter. Criteria: Invitae Variant Classification Sherloc (09022015). Collection method: clinical testing. Allele origin: germline.
Comment: This sequence change creates a premature translational stop signal (p.His208Ilefs*7) in the SMARCAL1 gene. It is expected to result in an absent or disrupted protein product. Loss-of-function variants in SMARCAL1 are known to be pathogenic (PMID: 11799392, 20301550). This variant is present in population databases (rs751582760, gnomAD 0.007%). This variant has not been reported in the literature in individuals affected with SMARCAL1-related conditions. ClinVar contains an entry for this variant (Variation ID: 1408052). For these reasons, this variant has been classified as Pathogenic.

Literature cited by the submitters: PubMed 11799392 (cited by Labcorp Genetics (formerly Invitae), Labcorp); PubMed 20301550 (cited by Labcorp Genetics (formerly Invitae), Labcorp).